The following is an entry in ClinVar:

NM_201253.3(CRB1):c.2129-2A>C

Gene: CRB1 (crumbs cell polarity complex component 1; plus strand). Cytogenetic location: 1q31.3.
Variant type: single nucleotide variant.
Coding change: c.2129-2A>C on transcript NM_201253.3 (MANE Select); the canonical splice acceptor site of the intron before coding-DNA position 2129, A replaced by C.
Molecular consequence: splice acceptor variant. On other transcripts: intron variant (1).
Genome position (GRCh38, 1-based): chr1:197,427,452, A>C. VCF-style: chr1-197427452-A-C. GRCh37 (hg19) VCF-style: chr1-197396582-A-C.
Other names: c.1922-2A>C (NM_001257965.2); c.2128+5496A>C (NM_001257966.2); c.1793-2A>C (NM_001193640.2).
Identifiers: ClinVar variation 2129489 (VCV002129489.4), dbSNP rs2125483466, ClinGen allele CA344036257.

ClinVar aggregate classification (germline): Pathogenic (1 of 4 stars; one submission).

Conditions:
Retinitis pigmentosa 12 (RP12). Also called: RP WITH OR WITHOUT PPRPE; RP WITH OR WITHOUT PRESERVED PARAARTERIOLE RETINAL PIGMENT EPITHELIUM; RETINITIS PIGMENTOSA WITH OR WITHOUT PARAARTERIOLAR PRESERVATION OF RETINAL PIGMENT EPITHELIUM. Identifiers: Orphanet 791, MedGen C1838647, MONDO:0010818, OMIM 600105.
Leber congenital amaurosis 8 (LCA8). Identifiers: Orphanet 65, MedGen C3151202, MONDO:0013453, OMIM 613835.

Submission:

Labcorp Genetics (formerly Invitae), Labcorp
Classification: Pathogenic for Leber congenital amaurosis 8; Retinitis pigmentosa 12. Last evaluated: 2022-04-23. Review status: criteria provided, single submitter. Criteria: Invitae Variant Classification Sherloc (09022015). Collection method: clinical testing. Allele origin: germline.
Comment: For these reasons, this variant has been classified as Pathogenic. Algorithms developed to predict the effect of sequence changes on RNA splicing suggest that this variant may disrupt the consensus splice site. Disruption of this splice site has been observed in individuals with CRB1-related conditions (PMID: 31106028, 33342761). This variant is not present in population databases (gnomAD no frequency). This sequence change affects an acceptor splice site in intron 6 of the CRB1 gene. It is expected to disrupt RNA splicing. Variants that disrupt the donor or acceptor splice site typically lead to a loss of protein function (PMID: 16199547), and loss-of-function variants in CRB1 are known to be pathogenic (PMID: 10508521, 22065545, 23379534, 25412400, 26957898, 28041643, 29391521).

Literature cited by the submitters: PubMed 31106028; PubMed 33342761; PubMed 16199547; PubMed 10508521; PubMed 22065545; PubMed 23379534; PubMed 25412400; PubMed 26957898; PubMed 28041643; PubMed 29391521.